The following is an entry in ClinVar:

ClinVar aggregate classification (germline): Conflicting classifications of pathogenicity. Review status: criteria provided, conflicting classifications (1 of 4 stars). 2 submissions from 2 submitters: Uncertain significance (1); Likely benign (1). Last evaluated 2026-07-01.

gnomAD v4.1: 7 of 712,788 alleles (0.00098%); highest among the groups gnomAD compares: African/African-American, 0.012%; no homozygotes.

Submissions (2):

CeGaT Center for Human Genetics Tuebingen
Classification: Likely benign. Last evaluated: 2026-07-01. Review status: criteria provided, single submitter. Criteria: CeGaT Center For Human Genetics Tuebingen Variant Classification Criteria Version 2. Collection method: clinical testing. Allele origin: germline. Affected: yes. Observed: 1 variant allele.
Comment: PLIN4: BP4

Ambry Genetics
Classification: Uncertain significance. Last evaluated: 2024-09-08. Review status: criteria provided, single submitter. Criteria: Ambry Variant Classification Scheme 2023. Collection method: clinical testing. Allele origin: germline.

NM_001367868.2(PLIN4):c.841G>T (p.Val281Leu)

Gene: PLIN4 (perilipin 4; minus strand). Cytogenetic location: 19p13.3.
Variant type: single nucleotide variant.
Coding change: c.841G>T on transcript NM_001367868.2 (MANE Select); coding-DNA position 841, G replaced by T.
Protein change: p.Val281Leu; replaces valine 281 with leucine.
Molecular consequence: missense variant.
Genome position (GRCh38, 1-based): chr19:4,513,119, C>A on the plus strand (G>T on the coding strand, the complement: PLIN4 is on the minus strand). VCF-style: chr19-4513119-C-A. GRCh37 (hg19) VCF-style: chr19-4513131-C-A.
Other names: NM_001080400.1:c.799G>T; c.844G>T, p.Val282Leu (NM_001393888.1, NM_001393889.1); c.841G>T, p.Val281Leu (NM_001393890.1, NM_001393891.1); short protein forms V282L, V281L.
Identifiers: ClinVar variation 3420844 (VCV003420844.2).